The following is an entry in ClinVar:

NM_000059.4(BRCA2):c.682-2A>G

Gene: BRCA2 (BRCA2 DNA repair associated; plus strand). Cytogenetic location: 13q13.1.
Variant type: single nucleotide variant.
Coding change: c.682-2A>G on transcript NM_000059.4 (MANE Select); the canonical splice acceptor site of the intron before coding-DNA position 682, A replaced by G.
Molecular consequence: splice acceptor variant.
Genome position (GRCh38, 1-based): chr13:32,330,917, A>G. VCF-style: chr13-32330917-A-G. GRCh37 (hg19) VCF-style: chr13-32905054-A-G.
Other names: IVS8-2A>G; c.682-2A>G (NM_001406720.1, NM_001406719.1, NM_001406721.1); c.313-2A>G (NM_001406722.1).
Identifiers: ClinVar variation 236264 (VCV000236264.17), dbSNP rs878853287, ClinGen allele CA10581585.
Genomic context (GRCh38, chr13:32,330,917, plus strand): 5'-ACTACTACTATATGTGCATTGAGAGTTTTTATACTAGTGATTTTAAACTATAATTTTTGC[A>G]GAATGTGAAAAGCTATTTTTCCAATCATGATGAAAGTCTGAAGAAAAATGATAGATTTAT-3'

ClinVar aggregate classification (germline): Pathogenic. Review status: reviewed by expert panel (3 of 4 stars). 6 submissions from 6 submitters: Pathogenic (1). 5 of the submissions do not count toward it. Last evaluated 2016-04-15.

Conditions:
Hereditary cancer-predisposing syndrome. Also called: Tumor predisposition; Hereditary Cancer Syndrome; Hereditary neoplastic syndrome; Neoplastic Syndromes, Hereditary. Identifiers: Orphanet 140162, MedGen C0027672, MeSH D009386, MONDO:0015356.
Hereditary breast ovarian cancer syndrome. Also called: Hereditary breast and ovarian cancer; Breast and ovarian cancer; BRCA1- and BRCA2-Associated Hereditary Breast and Ovarian Cancer; Hereditary breast and ovarian cancer syndrome; Hereditary breast and ovarian cancer syndrome (HBOC); Hereditary breast and/or ovarian cancer syndrome. Identifiers: Orphanet 145, MedGen C0677776, MeSH D061325, MONDO:0003582. Disease mechanism: loss of function.
Breast-ovarian cancer, familial, susceptibility to, 2 (BROVCA2). Also called: BRCA2 Hereditary Breast and Ovarian Cancer. Identifiers: Orphanet 145, MedGen C2675520, MONDO:0012933, OMIM 612555. Disease mechanism: loss of function.

Submissions (6):

Evidence-based Network for the Interpretation of Germline Mutant Alleles (ENIGMA)
Classification: Pathogenic for Breast-ovarian cancer, familial, susceptibility to, 2. Last evaluated: 2016-04-15. Review status: reviewed by expert panel. Criteria: ENIGMA BRCA1/2 Classification Criteria (2015). Collection method: curation. Allele origin: germline.
Comment: Allele-specific assay on patient-derived mRNA demonstrated that the variant allele produces only predicted non-functional transcripts. Variant allele produces r.682_793del transcript (encoding predicted non-functional protein).

Quest Diagnostics Nichols Institute San Juan Capistrano
Classification: Pathogenic. Last evaluated: 2025-01-17. Review status: criteria provided, single submitter. Criteria: Quest Diagnostics criteria. Collection method: clinical testing. Allele origin: unknown. Not counted in ClinVar's aggregate classification.
Comment: The BRCA2 c.682-2A>G variant disrupts a canonical splice-acceptor site and interferes with normal BRCA2 mRNA splicing. Studies show this variant will result in premature termination of the protein (PMID: 24123850 (2014)). In the published literature, this variant has been reported in multiple individuals with breast cancer including male breast cancer and early-onset breast cancer (PMID: 24123850 (2014), 26026974 (2015), 33552952 (2020), 33461583 (2021), 37719058 (2023)). This variant has not been reported in large, multi-ethnic general populations (Genome Aggregation Database). Based on the available information, this variant is classified as pathogenic.

Labcorp Genetics (formerly Invitae), Labcorp
Classification: Pathogenic for Hereditary breast ovarian cancer syndrome. Last evaluated: 2024-03-21. Review status: criteria provided, single submitter. Criteria: Invitae Variant Classification Sherloc (09022015). Collection method: clinical testing. Allele origin: germline. Not counted in ClinVar's aggregate classification.
Comment: This sequence change affects an acceptor splice site in intron 8 of the BRCA2 gene. RNA analysis indicates that disruption of this splice site induces altered splicing and may result in an absent or disrupted protein product. This variant is not present in population databases (gnomAD no frequency). Disruption of this splice site has been observed in individual(s) with female breast cancer, lymphoma, and/or male breast cancer (PMID: 24123850, 26026974, 29446198). It has also been observed to segregate with disease in related individuals. ClinVar contains an entry for this variant (Variation ID: 236264). Studies have shown that disruption of this splice site results in skipping of exon 9 and/or activation of cryptic splice sites and introduces a premature termination codon (PMID: 24123850). The resulting mRNA is expected to undergo nonsense-mediated decay. For these reasons, this variant has been classified as Pathogenic.

Ambry Genetics
Classification: Pathogenic for Hereditary cancer-predisposing syndrome. Last evaluated: 2021-04-15. Review status: criteria provided, single submitter. Criteria: Ambry Variant Classification Scheme 2023. Collection method: clinical testing. Allele origin: germline. Not counted in ClinVar's aggregate classification.
Comment: The c.682-2A>G pathogenic mutation results from an A to G substitution two nucleotides upstream from coding exon 8 in the BRCA2 gene. This nucleotide position is highly conserved in available vertebrate species. This alteration segregated with disease in one family and was observed via RT-PCR to cause aberrant splicing resulting in coding exon 8 skipping (de Garibay GR et al. Hum. Mutat., 2014 Jan;35:53-7). This alteration was also detected in 1/312 males with breast cancer who also had a positive family history of breast and/or ovarian cancer. (de Juan I et al. Fam Cancer, 2015 Dec;14:505-13). This variant was not reported in population-based cohorts in the Genome Aggregation Database (gnomAD). Alterations that disrupt the canonical splice site are expected to cause aberrant splicing, resulting in an abnormal protein or a transcript that is subject to nonsense-mediated mRNA decay. As such, this alteration is interpreted as a disease-causing mutation.

Color Diagnostics, LLC DBA Color Health
Classification: Pathogenic for Hereditary cancer-predisposing syndrome. Last evaluated: 2020-03-04. Review status: criteria provided, single submitter. Criteria: ACMG Guidelines, 2015. Collection method: clinical testing. Allele origin: germline. Not counted in ClinVar's aggregate classification.
Comment: This variant causes an A to G nucleotide substitution at the -2 position of intron 8 of the BRCA2 gene. RT-PCR analysis from carrier blood RNA showed that the variant allele produced only predicted non-functional transcripts (PMID: 24123850). This variant has been reported in a hereditary breast cancer (PMID: 26026974) and a hereditary breast and ovarian cancer family (PMID: 24123850). In the latter family, this variant segregated in two out of three breast cancer affected members who were tested (PMID: 24123850). This variant has not been identified in the general population by the Genome Aggregation Database (gnomAD). Loss of BRCA2 function is a known mechanism of disease. Based on the available evidence, this variant is classified as Pathogenic.

Consortium of Investigators of Modifiers of BRCA1/2 (CIMBA), c/o University of Cambridge
Classification: Pathogenic for Breast-ovarian cancer, familial, susceptibility to, 2. Last evaluated: 2015-10-02. Review status: criteria provided, single submitter. Criteria: CIMBA Mutation Classification guidelines May 2016. Collection method: clinical testing. Allele origin: germline. Not counted in ClinVar's aggregate classification.

Literature cited by the submitters: PubMed 24123850 (cited by 4 submitters); PubMed 29446198 (cited by Quest Diagnostics Nichols Institute San Juan Capistrano and Labcorp Genetics (formerly Invitae), Labcorp); PubMed 26026974 (cited by 3 submitters); PubMed 33552952 (cited by Quest Diagnostics Nichols Institute San Juan Capistrano); PubMed 37719058 (cited by Quest Diagnostics Nichols Institute San Juan Capistrano); PubMed 33461583 (cited by Quest Diagnostics Nichols Institute San Juan Capistrano).